The following is an entry in ClinVar:

ClinVar aggregate classification (germline): Likely pathogenic (1 of 4 stars; one submission).

Submission:

ARUP Laboratories, Molecular Genetics and Genomics, ARUP Laboratories
Classification: Likely pathogenic. Last evaluated: 2020-04-15. Review status: criteria provided, single submitter. Criteria: ARUP Molecular Germline Variant Investigation Process. Collection method: clinical testing. Allele origin: germline.
Comment: The BMPR2 c.12delG; p.Leu5Cysfs*42 variant, to our knowledge, is not reported in the medical literature or gene specific databases. This variant is also absent from general population databases (Exome Variant Server, Genome Aggregation Database), indicating it is not a common polymorphism. This variant causes a frameshift by deleting a single nucleotide, so it is predicted to result in a truncated protein or mRNA subject to nonsense-mediated decay. Additionally, other variants in the region that cause frameshifts are described in individuals with pulmonary hypertension (Machado 2015, Morisaki 2004). Considering available information, this variant is classified as likely pathogenic. References: Machado RD et al. Pulmonary Arterial Hypertension: A Current Perspective on Established and Emerging Molecular Genetic Defects. Hum Mutat. 2015 Dec;36(12):1113-27. Morisaki H et al. BMPR2 mutations found in Japanese patients with familial and sporadic primary pulmonary hypertension. Hum Mutat. 2004 Jun;23(6):632.

NM_001204.7(BMPR2):c.12del (p.Leu5fs)

Gene: BMPR2 (bone morphogenetic protein receptor type 2; plus strand). Cytogenetic location: 2q33.1.
Variant type: Deletion.
Coding change: c.12del on transcript NM_001204.7 (MANE Select); coding-DNA position 12, one base deleted (G; older notation c.12delG).
Protein change: p.Leu5fs; shifts the reading frame from leucine 5.
Molecular consequence: frameshift variant.
Genome position (GRCh38, 1-based): chr2:202,377,486, G deleted. VCF-style (leftmost placement, unchanged base first): chr2-202377485-CG-C. GRCh37 (hg19) VCF-style: chr2-203242208-CG-C.
Other names: short protein forms L5fs.
Identifiers: ClinVar variation 994099 (VCV000994099.8), dbSNP rs1690174710, ClinGen allele CA1139657642.
Genomic context (GRCh38, chr2:202,377,485, plus strand): 5'-ACTTCCCATATTTCTTTTCTTTGCCCTCCTGATTCTTGGCTGGCCCAGGGATGACTTCCT[CG>C]CTGCAGCGGCCCTGGCGGGTGCCCTGGCTACCATGGACCATCCTGCTGGTCAGCACTGCG-3'